The following is an entry in ClinVar:

ClinVar aggregate classification (germline): Likely pathogenic (1 of 4 stars; one submission).

Conditions:
Common craniosynostosis syndromes.

Submission:

Genetics Laboratory, Great Ormond Street Hospital NHS Foundation Trust, North Thames Genomic Laboratory Hub
Classification: Likely pathogenic for Common craniosynostosis syndromes. Last evaluated: 2026-06-12. Review status: criteria provided, single submitter. Criteria: ACGS Best Practice Guidelines for Variant Classification in Rare Disease 2024 v1.2. Collection method: clinical testing. Allele origin: germline. Affected: yes.
Comment: PS4_moderate, PM2_moderate, PP3_supporting, PM5_supporting, PP2_supporting

NM_000474.4(TWIST1):c.435G>C (p.Lys145Asn)

Genes: TWIST1 (twist family bHLH transcription factor 1; minus strand), LOC129998021 (ATAC-STARR-seq lymphoblastoid active region 25682; plus strand). Cytogenetic location: 7p21.1.
Variant type: single nucleotide variant.
Coding change: c.435G>C on transcript NM_000474.4 (MANE Select); coding-DNA position 435, G replaced by C.
Protein change: p.Lys145Asn; replaces lysine 145 with asparagine.
Molecular consequence: missense variant. On other transcripts: non-coding transcript variant (1).
Genome position (GRCh38, 1-based): chr7:19,116,887, C>G on the plus strand (G>C on the coding strand, the complement: TWIST1 is on the minus strand). VCF-style: chr7-19116887-C-G. GRCh37 (hg19) VCF-style: chr7-19156510-C-G.
Other names: short protein forms K145N.
Identifiers: ClinVar variation 4856699 (VCV004856699.2).